The following is an entry in ClinVar:

ClinVar aggregate classification (germline): Uncertain significance (1 of 4 stars; one submission).

Submission:

Labcorp Genetics (formerly Invitae), Labcorp
Classification: Uncertain significance. Last evaluated: 2022-07-01. Review status: criteria provided, single submitter. Criteria: Invitae Variant Classification Sherloc (09022015). Collection method: clinical testing. Allele origin: germline.
Comment: In summary, the available evidence is currently insufficient to determine the role of this variant in disease. Therefore, it has been classified as a Variant of Uncertain Significance. This variant has not been reported in the literature in individuals affected with LIPT2-related conditions. This variant is not present in population databases (gnomAD no frequency). This variant, c.85_93dup, results in the insertion of 3 amino acid(s) of the LIPT2 protein (p.Arg29_Gln31dup), but otherwise preserves the integrity of the reading frame.

NM_001144869.3(LIPT2):c.85_93dup (p.Gln31_Ala32insArgLeuGln)

Genes: LIPT2 (lipoyl(octanoyl) transferase 2; minus strand), LIPT2-AS1 (LIPT2 antisense RNA 1; plus strand). Cytogenetic location: 11q13.4.
Variant type: Duplication.
Coding change: c.85_93dup on transcript NM_001144869.3 (MANE Select); coding-DNA positions 85 to 93, 9 bases duplicated (CGGCTGCAG; older notation c.85_93dupCGGCTGCAG).
Protein change: p.Gln31_Ala32insArgLeuGln.
Molecular consequence: inframe insertion. On other transcripts: non-coding transcript variant (1).
Genome position (GRCh38, 1-based): chr11:74,493,611-74,493,619, CTGCAGCCG duplicated on the plus strand (CGGCTGCAG on the coding strand, the reverse complement: LIPT2 is on the minus strand); duplicating any 9 consecutive bases within chr11:74,493,611-74,493,620 gives the same sequence; the c. name uses the placement nearest the transcript's 3' end. VCF-style (leftmost placement, unchanged base first): chr11-74493610-C-CCTGCAGCCG. GRCh37 (hg19) VCF-style: chr11-74204655-C-CCTGCAGCCG.
Other names: c.85_93dup, p.Gln31_Ala32insArgLeuGln (NM_001329941.2, NM_001329942.2).
Identifiers: ClinVar variation 2118454 (VCV002118454.4), dbSNP rs1432024498, ClinGen allele CA680151246.